The following is an entry in ClinVar:

ClinVar aggregate classification (germline): Likely benign (1 of 4 stars; one submission).

gnomAD v4.1: 16 of 1,613,902 alleles (0.00099%); highest among the groups gnomAD compares: South Asian, 0.013%; no homozygotes.

Submission:

CeGaT Center for Human Genetics Tuebingen
Classification: Likely benign. Last evaluated: 2026-03-01. Review status: criteria provided, single submitter. Criteria: CeGaT Center For Human Genetics Tuebingen Variant Classification Criteria Version 2. Collection method: clinical testing. Allele origin: germline. Affected: yes. Observed: 1 variant allele.
Comment: GRIA1: BP4, BP7

NM_000827.4(GRIA1):c.333G>A (p.Pro111=)

Gene: GRIA1 (glutamate ionotropic receptor AMPA type subunit 1; plus strand). Cytogenetic location: 5q33.2.
Variant type: single nucleotide variant.
Coding change: c.333G>A on transcript NM_000827.4 (MANE Select); coding-DNA position 333, G replaced by A.
Protein change: p.Pro111=; no amino-acid change (proline 111 retained).
Molecular consequence: synonymous variant. On other transcripts: non-coding transcript variant (2), intron variant (1).
Genome position (GRCh38, 1-based): chr5:153,647,040, G>A. VCF-style: chr5-153647040-G-A. GRCh37 (hg19) VCF-style: chr5-153026600-G-A.
Other names: c.333G>A, p.Pro111= (NM_001114183.2, NM_001364165.2); c.48G>A, p.Pro16= (NM_001258020.2); c.363G>A, p.Pro121= (NM_001258021.2, NM_001258022.2); c.126G>A, p.Pro42= (NM_001258023.1, NM_001364167.2); c.360G>A, p.Pro120= (NM_001364166.2); c.221-3290G>A (NM_001258019.2).
Identifiers: ClinVar variation 4821393 (VCV004821393.4).
Genomic context (GRCh38, chr5:153,647,040, plus strand): 5'-TAGGACTGTCAACATGCTGACCTCCTTTTGTGGGGCCCTCCACGTCTGCTTCATTACGCC[G>A]AGCTTTCCCGTTGATACATCCAATCAGTTTGTCCTTCAGCTGCGCCCTGAACTGCAGGAT-3'
Protein context (NP_000818.2, residues 101-121): CGALHVCFIT[Pro111=]SFPVDTSNQF